The following is an entry in ClinVar:

ClinVar aggregate classification (germline): Uncertain significance (1 of 4 stars; one submission).

gnomAD v4.1: 2 of 1,537,196 alleles (0.00013%); highest among the groups gnomAD compares: Non-Finnish European, 0.00017%; no homozygotes.

Submission:

Ambry Genetics
Classification: Uncertain significance. Last evaluated: 2025-01-03. Review status: criteria provided, single submitter. Criteria: Ambry Variant Classification Scheme 2023. Collection method: clinical testing. Allele origin: germline.
Comment: The c.64T>C (p.Y22H) alteration is located in exon (coding exon ) of the USP40 gene. This alteration results from a T to C substitution at nucleotide position 64, causing the tyrosine (Y) at amino acid position 22 to be replaced by a histidine (H). Based on insufficient or conflicting evidence, the clinical significance of this alteration remains unclear.

NM_001365479.2(USP40):c.28T>C (p.Tyr10His)

Gene: USP40 (ubiquitin specific peptidase 40; minus strand). Cytogenetic location: 2q37.1.
Variant type: single nucleotide variant.
Coding change: c.28T>C on transcript NM_001365479.2 (MANE Select); coding-DNA position 28, T replaced by C.
Protein change: p.Tyr10His; replaces tyrosine 10 with histidine.
Molecular consequence: missense variant. On other transcripts: non-coding transcript variant (6).
Genome position (GRCh38, 1-based): chr2:233,565,527, A>G on the plus strand (T>C on the coding strand, the complement: USP40 is on the minus strand). VCF-style: chr2-233565527-A-G. GRCh37 (hg19) VCF-style: chr2-234474173-A-G.
Other names: c.28T>C, p.Tyr10His (NM_001382295.1, NM_001382296.1, NM_001382297.1 and 6 more transcripts); short protein forms Y10H.
Identifiers: ClinVar variation 3814325 (VCV003814325.1).